The following is an entry in ClinVar:

NM_022916.6(VPS33A):c.608C>A (p.Ala203Asp)

Gene: VPS33A (VPS33A core subunit of CORVET and HOPS complexes; minus strand). Cytogenetic location: 12q24.31.
Variant type: single nucleotide variant.
Coding change: c.608C>A on transcript NM_022916.6 (MANE Select); coding-DNA position 608, C replaced by A.
Protein change: p.Ala203Asp; replaces alanine 203 with aspartic acid.
Molecular consequence: missense variant.
Genome position (GRCh38, 1-based): chr12:122,250,038, G>T on the plus strand (C>A on the coding strand, the complement: VPS33A is on the minus strand). VCF-style: chr12-122250038-G-T. GRCh37 (hg19) VCF-style: chr12-122734585-G-T.
Other names: c.575C>A, p.Ala192Asp (NM_001351018.2); c.560C>A, p.Ala187Asp (NM_001351019.2); c.608C>A, p.Ala203Asp (NM_001351020.2); short protein forms A203D, A187D, A192D.
Identifiers: ClinVar variation 2069970 (VCV002069970.4), dbSNP rs770459332, ClinGen allele CA387017175.

ClinVar aggregate classification (germline): Uncertain significance (1 of 4 stars; one submission).

Submission:

Labcorp Genetics (formerly Invitae), Labcorp
Classification: Uncertain significance. Last evaluated: 2025-10-13. Review status: criteria provided, single submitter. Criteria: Invitae Variant Classification Sherloc (09022015). Collection method: clinical testing. Allele origin: germline.
Comment: This sequence change replaces alanine, which is neutral and non-polar, with aspartic acid, which is acidic and polar, at codon 203 of the VPS33A protein (p.Ala203Asp). This variant is not present in population databases (gnomAD no frequency). This variant has not been reported in the literature in individuals affected with VPS33A-related conditions. ClinVar contains an entry for this variant (Variation ID: 2069970). Invitae Evidence Modeling of protein sequence and biophysical properties (such as structural, functional, and spatial information, amino acid conservation, physicochemical variation, residue mobility, and thermodynamic stability) indicates that this missense variant is not expected to disrupt VPS33A protein function with a negative predictive value of 80%. In summary, the available evidence is currently insufficient to determine the role of this variant in disease. Therefore, it has been classified as a Variant of Uncertain Significance.